The following is an entry in ClinVar:

ClinVar aggregate classification (germline): Uncertain significance. Review status: criteria provided, multiple submitters, no conflicts (2 of 4 stars). 2 submissions from 2 submitters: Uncertain significance (2). Last evaluated 2025-11-25.

Conditions:
Cardiovascular phenotype. Identifiers: MedGen CN230736.
Desmin-related myofibrillar myopathy (MFM1). Also called: MYOFIBRILLAR MYOPATHY WITH ARRHYTHMOGENIC RIGHT VENTRICULAR CARDIOMYOPATHY; DESMIN-RELATED MYOPATHY WITH ARRHYTHMOGENIC RIGHT VENTRICULAR CARDIOMYOPATHY; Myofibrillar myopathy 1; Desminopathy; Desmin related myopathy (former name); Desmin storage myopathy (former name). Identifiers: Orphanet 363543, Orphanet 98909, MedGen C1832370, MONDO:0011076, OMIM 601419.

Allele frequency attached by ClinVar (database versions not stated): gnomAD 0.00001; gnomAD exomes 0.00001.
gnomAD v4.1: 7 of 1,563,444 alleles (0.00045%); highest among the groups gnomAD compares: Non-Finnish European, 0.00061%; no homozygotes.

Submissions (2):

Labcorp Genetics (formerly Invitae), Labcorp
Classification: Uncertain significance for Desmin-related myofibrillar myopathy. Last evaluated: 2025-11-25. Review status: criteria provided, single submitter. Criteria: Invitae Variant Classification Sherloc (09022015). Collection method: clinical testing. Allele origin: germline.
Comment: This sequence change replaces arginine, which is basic and polar, with cysteine, which is neutral and slightly polar, at codon 105 of the DES protein (p.Arg105Cys). The frequency data for this variant in the population databases is considered unreliable, as metrics indicate poor data quality at this position in the gnomAD database. This variant has not been reported in the literature in individuals affected with DES-related conditions. ClinVar contains an entry for this variant (Variation ID: 201720). Invitae Evidence Modeling of protein sequence and biophysical properties (such as structural, functional, and spatial information, amino acid conservation, physicochemical variation, residue mobility, and thermodynamic stability) indicates that this missense variant is expected to disrupt DES protein function with a positive predictive value of 95%. In summary, the available evidence is currently insufficient to determine the role of this variant in disease. Therefore, it has been classified as a Variant of Uncertain Significance.

Ambry Genetics
Classification: Uncertain significance for Cardiovascular phenotype. Last evaluated: 2019-05-22. Review status: criteria provided, single submitter. Criteria: Ambry Variant Classification Scheme 2023. Collection method: clinical testing. Allele origin: germline.
Comment: The p.R105C variant (also known as c.313C>T), located in coding exon 1 of the DES gene, results from a C to T substitution at nucleotide position 313. The arginine at codon 105 is replaced by cysteine, an amino acid with highly dissimilar properties. This amino acid position is highly conserved in available vertebrate species. In addition, this alteration is predicted to be deleterious by in silico analysis. Since supporting evidence is limited at this time, the clinical significance of this alteration remains unclear.

NM_001927.4(DES):c.313C>T (p.Arg105Cys)

Gene: DES (desmin; plus strand). Cytogenetic location: 2q35.
Variant type: single nucleotide variant.
Coding change: c.313C>T on transcript NM_001927.4 (MANE Select); coding-DNA position 313, C replaced by T.
Protein change: p.Arg105Cys; replaces arginine 105 with cysteine.
Molecular consequence: missense variant.
Genome position (GRCh38, 1-based): chr2:219,418,775, C>T. VCF-style: chr2-219418775-C-T. GRCh37 (hg19) VCF-style: chr2-220283497-C-T.
Other names: short protein forms R105C.
Identifiers: ClinVar variation 201720 (VCV000201720.12), dbSNP rs794728993, ClinGen allele CA308310.
Genomic context (GRCh38, chr2:219,418,775, plus strand): 5'-GCAGGCGAGCTGCTGGACTTCTCACTGGCCGACGCGGTGAACCAGGAGTTTCTGACCACG[C>T]GCACCAACGAGAAGGTGGAGCTGCAGGAGCTCAATGACCGCTTCGCCAACTACATCGAGA-3'
Protein context (NP_001918.3, residues 95-115): DAVNQEFLTT[Arg105Cys]TNEKVELQEL